The following is an entry in ClinVar:

NM_000478.6(ALPL):c.395C>G (p.Ala132Gly)

Gene: ALPL (alkaline phosphatase, biomineralization associated; plus strand). Cytogenetic location: 1p36.12.
Variant type: single nucleotide variant.
Coding change: c.395C>G on transcript NM_000478.6 (MANE Select); coding-DNA position 395, C replaced by G.
Protein change: p.Ala132Gly; replaces alanine 132 with glycine.
Molecular consequence: missense variant.
Genome position (GRCh38, 1-based): chr1:21,563,207, C>G. VCF-style: chr1-21563207-C-G. GRCh37 (hg19) VCF-style: chr1-21889700-C-G.
Other names: c.230C>G, p.Ala77Gly (NM_001127501.4); c.164C>G, p.Ala55Gly (NM_001177520.3); c.395C>G, p.Ala132Gly (NM_001369803.2, NM_001369804.2, NM_001369805.2); short protein forms A55G, A77G, A132G.
Identifiers: ClinVar variation 1496301 (VCV001496301.8), dbSNP rs1558548925, ClinGen allele CA338877251.

ClinVar aggregate classification (germline): Conflicting classifications of pathogenicity. Review status: criteria provided, conflicting classifications (1 of 4 stars). 3 submissions from 3 submitters: Likely pathogenic (2); Uncertain significance (1). Last evaluated 2025-11-12.

Conditions:
Adult hypophosphatasia. Identifiers: Orphanet 247676, Orphanet 436, MedGen C0268413, MONDO:1010154, OMIM 146300, MONDO:0007798.
Childhood hypophosphatasia. Identifiers: Orphanet 247667, Orphanet 436, MedGen C0220743, MONDO:1010168, OMIM 241510, MONDO:0009428.
Infantile hypophosphatasia. Identifiers: Orphanet 247651, Orphanet 436, MedGen C0268412, MONDO:1010169, OMIM 241500, MONDO:0009427.

Submissions (3):

Labcorp Genetics (formerly Invitae), Labcorp
Classification: Likely pathogenic. Last evaluated: 2025-11-12. Review status: criteria provided, single submitter. Criteria: Invitae Variant Classification Sherloc (09022015). Collection method: clinical testing. Allele origin: germline.
Comment: This sequence change replaces alanine, which is neutral and non-polar, with glycine, which is neutral and non-polar, at codon 132 of the ALPL protein (p.Ala132Gly). This variant is not present in population databases (gnomAD no frequency). This variant has not been reported in the literature in individuals affected with ALPL-related conditions. ClinVar contains an entry for this variant (Variation ID: 1496301). Invitae Evidence Modeling of protein sequence and biophysical properties (such as structural, functional, and spatial information, amino acid conservation, physicochemical variation, residue mobility, and thermodynamic stability) indicates that this missense variant is expected to disrupt ALPL protein function with a positive predictive value of 95%. This variant disrupts the p.Ala132 amino acid residue in ALPL. Other variant(s) that disrupt this residue have been determined to be pathogenic (PMID: 11834095, 18455459, 19500388, 32160374). This suggests that this residue is clinically significant, and that variants that disrupt this residue are likely to be disease-causing. In summary, the currently available evidence indicates that the variant is pathogenic, but additional data are needed to prove that conclusively. Therefore, this variant has been classified as Likely Pathogenic.

First Genomix Gene Laboratory, Genetic Diagnostics Department
Classification: Likely pathogenic for Adult hypophosphatasia; Childhood hypophosphatasia; Infantile hypophosphatasia. Last evaluated: 2025-01-06. Review status: criteria provided, single submitter. Criteria: ACMG Guidelines, 2015. Collection method: clinical testing. Allele origin: germline. Inheritance: Autosomal recessive inheritance. Affected: no. Observed: 1 variant allele.

Blueprint Genetics
Classification: Uncertain significance. Last evaluated: 2023-04-26. Review status: criteria provided, single submitter. Criteria: ACMG Guidelines, 2015. Collection method: clinical testing. Allele origin: germline.

Literature cited by the submitters: PubMed 11834095 (cited by Labcorp Genetics (formerly Invitae), Labcorp); PubMed 18455459 (cited by Labcorp Genetics (formerly Invitae), Labcorp); PubMed 19500388 (cited by Labcorp Genetics (formerly Invitae), Labcorp); PubMed 32160374 (cited by Labcorp Genetics (formerly Invitae), Labcorp).